The following is an entry in ClinVar:

ClinVar aggregate classification (germline): Uncertain significance (1 of 4 stars; one submission).

Conditions:
Developmental and epileptic encephalopathy 94 (DEE94). Also called: Epileptic encephalopathy, childhood-onset; CHD2-Related Neurodevelopmental Disorders. Identifiers: Orphanet 1942, Orphanet 2382, MedGen C3809278, MONDO:0014150, OMIM 615369.

gnomAD v4.1: 4 of 1,598,078 alleles (0.00025%); highest among the groups gnomAD compares: Admixed American, 0.0036%; no homozygotes.

Submission:

Labcorp Genetics (formerly Invitae), Labcorp
Classification: Uncertain significance for Developmental and epileptic encephalopathy 94. Last evaluated: 2024-02-15. Review status: criteria provided, single submitter. Criteria: Invitae Variant Classification Sherloc (09022015). Collection method: clinical testing. Allele origin: germline.
Comment: This sequence change replaces lysine, which is basic and polar, with asparagine, which is neutral and polar, at codon 1391 of the CHD2 protein (p.Lys1391Asn). This variant is present in population databases (rs373327827, gnomAD 0.01%). This variant has not been reported in the literature in individuals affected with CHD2-related conditions. Advanced modeling of protein sequence and biophysical properties (such as structural, functional, and spatial information, amino acid conservation, physicochemical variation, residue mobility, and thermodynamic stability) performed at Invitae indicates that this missense variant is not expected to disrupt CHD2 protein function with a negative predictive value of 95%. In summary, the available evidence is currently insufficient to determine the role of this variant in disease. Therefore, it has been classified as a Variant of Uncertain Significance.

NM_001271.4(CHD2):c.4173A>T (p.Lys1391Asn)

Gene: CHD2 (chromodomain helicase DNA binding protein 2; plus strand). Cytogenetic location: 15q26.1.
Variant type: single nucleotide variant.
Coding change: c.4173A>T on transcript NM_001271.4 (MANE Select); coding-DNA position 4173, A replaced by T.
Protein change: p.Lys1391Asn; replaces lysine 1391 with asparagine.
Molecular consequence: missense variant.
Genome position (GRCh38, 1-based): chr15:93,002,212, A>T. VCF-style: chr15-93002212-A-T. GRCh37 (hg19) VCF-style: chr15-93545442-A-T.
Other names: short protein forms K1391N.
Identifiers: ClinVar variation 3635953 (VCV003635953.2).
Genomic context (GRCh38, chr15:93,002,212, plus strand): 5'-TTCATAGCCCTGTTTTGTTTCCTAGGATGATGGCTTGGAAAAAAGTCCAATGAAAAAAAA[A>T]CAGAAGAAGAAAGAGAACAAGGAGAACAAGGAGAAACAAATGAGTTCTAGGAAAGACAAA-3'
Protein context (NP_001262.3, residues 1381-1401): DGLEKSPMKK[Lys1391Asn]QKKKENKENK